The following is an entry in ClinVar:

NM_000059.4(BRCA2):c.8760T>G (p.Tyr2920Ter)

Gene: BRCA2 (BRCA2 DNA repair associated; plus strand). Cytogenetic location: 13q13.1.
Variant type: single nucleotide variant.
Coding change: c.8760T>G on transcript NM_000059.4 (MANE Select); coding-DNA position 8760, T replaced by G.
Protein change: p.Tyr2920Ter; replaces tyrosine 2920 with a stop codon.
Molecular consequence: nonsense.
Genome position (GRCh38, 1-based): chr13:32,379,322, T>G. VCF-style: chr13-32379322-T-G. GRCh37 (hg19) VCF-style: chr13-32953459-T-G.
Other names: 8988T>G; short protein forms Y2920*.
Identifiers: ClinVar variation 267105 (VCV000267105.7), dbSNP rs886040790, ClinGen allele CA10589515.

ClinVar aggregate classification (germline): Pathogenic. Review status: reviewed by expert panel (3 of 4 stars). 4 submissions from 4 submitters: Pathogenic (1). 3 of the submissions do not count toward it. Last evaluated 2016-10-18.

Conditions:
Breast-ovarian cancer, familial, susceptibility to, 2 (BROVCA2). Also called: BRCA2 Hereditary Breast and Ovarian Cancer. Identifiers: Orphanet 145, MedGen C2675520, MONDO:0012933, OMIM 612555. Disease mechanism: loss of function.
Hereditary cancer-predisposing syndrome. Also called: Hereditary neoplastic syndrome; Neoplastic Syndromes, Hereditary; Tumor predisposition; Hereditary Cancer Syndrome. Identifiers: Orphanet 140162, MedGen C0027672, MeSH D009386, MONDO:0015356.

Submissions (4):

Evidence-based Network for the Interpretation of Germline Mutant Alleles (ENIGMA)
Classification: Pathogenic for Breast-ovarian cancer, familial, susceptibility to, 2. Last evaluated: 2016-10-18. Review status: reviewed by expert panel. Criteria: ENIGMA BRCA1/2 Classification Criteria (2015). Collection method: curation. Allele origin: germline.
Comment: Variant allele predicted to encode a truncated non-functional protein.

Ambry Genetics
Classification: Pathogenic for Hereditary cancer-predisposing syndrome. Last evaluated: 2024-04-15. Review status: criteria provided, single submitter. Criteria: Ambry Variant Classification Scheme 2023. Collection method: clinical testing. Allele origin: germline. Not counted in ClinVar's aggregate classification.
Comment: The p.Y2920* pathogenic mutation (also known as c.8760T>G), located in coding exon 21 of the BRCA2 gene, results from a T to G substitution at nucleotide position 8760. This changes the amino acid from a tyrosine to a stop codon within coding exon 21. This variant was identified in 1 of 616 individuals with early-onset breast cancer (Abdel-Razeq H et al. Sci Rep, 2021 Jul;11:14906). This variant is considered to be rare based on population cohorts in the Genome Aggregation Database (gnomAD). In addition to the clinical data presented in the literature, this alteration is expected to result in loss of function by premature protein truncation or nonsense-mediated mRNA decay. As such, this alteration is interpreted as a disease-causing mutation.

KCCC/NGS Laboratory, Kuwait Cancer Control Center
Classification: Pathogenic for Breast-ovarian cancer, familial, susceptibility to, 2. Last evaluated: 2023-06-06. Review status: criteria provided, single submitter. Criteria: ACMG Guidelines, 2015. Collection method: clinical testing. Allele origin: germline. Affected: yes. Not counted in ClinVar's aggregate classification.
Comment: A pathogenic variant was detected in the BRCA2 gene in this specimen. The p.Tyr2920Ter variant (also known as c.8760T>G), located in coding exon 22 of the BRCA2 gene, results from a T to G substitution at nucleotide position 2920. The tyrosine at codon 2920 is replaced by a termination codon. This variant is expected to cause truncation of the BRCA2 protein and, therefore, loss of function. This amino acid position is strongly conserved in vertebrate species. ClinVar has an entry for this variant with 2 submissions calling it “Pathogenic”, 3 stars, no conflict, and reviewed by expert panel. This variant is not found in gnomAD genomes. Therefore, this variant is classified as pathogenic.

Consortium of Investigators of Modifiers of BRCA1/2 (CIMBA), c/o University of Cambridge
Classification: Pathogenic for Breast-ovarian cancer, familial, susceptibility to, 2. Last evaluated: 2015-10-02. Review status: criteria provided, single submitter. Criteria: CIMBA Mutation Classification guidelines May 2016. Collection method: clinical testing. Allele origin: germline. Not counted in ClinVar's aggregate classification.

Literature cited by the submitters: PubMed 34290354 (cited by Ambry Genetics).